The following is an entry in ClinVar:

ClinVar aggregate classification (germline): Likely benign. Review status: criteria provided, multiple submitters, no conflicts (2 of 4 stars). 2 submissions from 2 submitters: Likely benign (2). Last evaluated 2023-05-01.

gnomAD v4.1: 254 of 1,613,964 alleles (0.016%); highest among the groups gnomAD compares: Admixed American, 0.095%; 1 homozygote.

Submissions (2):

CeGaT Center for Human Genetics Tuebingen
Classification: Likely benign. Last evaluated: 2023-05-01. Review status: criteria provided, single submitter. Criteria: CeGaT Center For Human Genetics Tuebingen Variant Classification Criteria Version 2. Collection method: clinical testing. Allele origin: germline. Affected: yes. Observed: 1 variant allele.
Comment: HTT: BP4, BP7

Labcorp Genetics (formerly Invitae), Labcorp
Classification: Likely benign. Last evaluated: 2022-11-19. Review status: criteria provided, single submitter. Criteria: Invitae Variant Classification Sherloc (09022015). Collection method: clinical testing. Allele origin: germline.

NM_001388492.1(HTT):c.2931C>A (p.Val977=)

Gene: HTT (huntingtin; plus strand). Cytogenetic location: 4p16.3.
Variant type: single nucleotide variant.
Coding change: c.2931C>A on transcript NM_001388492.1 (MANE Select); coding-DNA position 2931, C replaced by A.
Protein change: p.Val977=; no amino-acid change (valine 977 retained).
Molecular consequence: synonymous variant.
Genome position (GRCh38, 1-based): chr4:3,140,642, C>A. VCF-style: chr4-3140642-C-A. GRCh37 (hg19) VCF-style: chr4-3142369-C-A.
Other names: c.2937C>A, p.Val979= (NM_002111.8).
Identifiers: ClinVar variation 2654596 (VCV002654596.27), dbSNP rs767738365, ClinGen allele CA2823984.
Genomic context (GRCh38, chr4:3,140,642, plus strand): 5'-AAGCAGTGTTTACCTGAAACTTCTCATGCATGAGACGCAGCCTCCATCTCATTTCTCCGT[C>A]AGCACAATAACCAGGTATGCTGACCCAGTGGCATCTTCACATTGTCGGGAAAATGCCCTT-3'
Protein context (NP_001375421.1, residues 967-987): HETQPPSHFS[Val977=]STITRIYRGY